The following is an entry in ClinVar:

ClinVar aggregate classification (germline): Pathogenic. Review status: criteria provided, multiple submitters, no conflicts (2 of 4 stars). 4 submissions from 4 submitters: Pathogenic (4). Last evaluated 2025-01-22.

Conditions:
Duchenne muscular dystrophy (DMD). Also called: MUSCULAR DYSTROPHY, PSEUDOHYPERTROPHIC PROGRESSIVE, DUCHENNE TYPE; Duchenne Muscular Dystrophy (DMD). Identifiers: Orphanet 98896, MedGen C0013264, MONDO:0010679, OMIM 310200.

Submissions (4):

Labcorp Genetics (formerly Invitae), Labcorp
Classification: Pathogenic for Duchenne muscular dystrophy. Last evaluated: 2025-01-22. Review status: criteria provided, single submitter. Criteria: Invitae Variant Classification Sherloc (09022015). Collection method: clinical testing. Allele origin: germline.
Comment: This sequence change creates a premature translational stop signal (p.Gln45*) in the DMD gene. It is expected to result in an absent or disrupted protein product. Loss-of-function variants in DMD are known to be pathogenic (PMID: 16770791, 25007885). This variant is not present in population databases (gnomAD no frequency). This premature translational stop signal has been observed in individual(s) with Duchenne muscular dystrophy (PMID: 15643612). ClinVar contains an entry for this variant (Variation ID: 196372). For these reasons, this variant has been classified as Pathogenic.

Revvity Omics, Revvity
Classification: Pathogenic. Last evaluated: 2020-05-20. Review status: criteria provided, single submitter. Criteria: ACMG Guidelines, 2015. Collection method: clinical testing. Allele origin: germline.

GeneDx
Classification: Pathogenic. Last evaluated: 2018-04-13. Review status: criteria provided, single submitter. Criteria: GeneDx Variant Classification Process June 2021. Collection method: clinical testing. Allele origin: germline. Affected: yes.
Comment: Based on the understanding of this genetic alteration, it may be amenable to nonsense read-through therapy that is currently available or in clinical trial; This variant is associated with the following publications: (PMID: 27750387, 15643612, 25525159, 26968818, 34297739)

Eurofins Ntd Llc (ga)
Classification: Pathogenic. Last evaluated: 2014-07-30. Review status: criteria provided, single submitter. Criteria: EGL Classification Definitions 2015. Collection method: clinical testing. Allele origin: germline. Observed: 2 variant alleles, 2 hemizygotes.

Literature cited by the submitters: PubMed 16770791 (cited by Labcorp Genetics (formerly Invitae), Labcorp); PubMed 25007885 (cited by Labcorp Genetics (formerly Invitae), Labcorp); PubMed 15643612 (cited by Labcorp Genetics (formerly Invitae), Labcorp and Eurofins Ntd Llc (ga)).

NM_004006.3(DMD):c.133C>T (p.Gln45Ter)

Gene: DMD (dystrophin; minus strand). Cytogenetic location: Xp21.1.
Variant type: single nucleotide variant.
Coding change: c.133C>T on transcript NM_004006.3 (MANE Select); coding-DNA position 133, C replaced by T.
Protein change: p.Gln45Ter; replaces glutamine 45 with a stop codon.
Molecular consequence: nonsense. On other transcripts: 5 prime UTR variant (1).
Genome position (GRCh38, 1-based): chrX:32,849,781, G>A on the plus strand (C>T on the coding strand, the complement: DMD is on the minus strand). VCF-style: chrX-32849781-G-A. GRCh37 (hg19) VCF-style: chrX-32867898-G-A.
Other names: c.109C>T, p.Gln37Ter (NM_000109.4); c.121C>T, p.Gln41Ter (NM_004009.3); c.-237C>T (NM_004010.3); short protein forms Q45*, Q37*, Q41*.
Identifiers: ClinVar variation 196372 (VCV000196372.13), dbSNP rs794727499, ClinGen allele CA275173.